The following is an entry in ClinVar:

NM_000138.5(FBN1):c.6314-15G>A

Gene: FBN1 (fibrillin 1; minus strand). Cytogenetic location: 15q21.1.
Variant type: single nucleotide variant.
Coding change: c.6314-15G>A on transcript NM_000138.5 (MANE Select); 15 bases into the intron before coding-DNA position 6314, G replaced by A.
Molecular consequence: intron variant.
Genome position (GRCh38, 1-based): chr15:48,437,402, C>T on the plus strand (G>A on the coding strand, the complement: FBN1 is on the minus strand). VCF-style: chr15-48437402-C-T. GRCh37 (hg19) VCF-style: chr15-48729599-C-T.
Identifiers: ClinVar variation 228686 (VCV000228686.24), dbSNP rs200841830, ClinGen allele CA056545.

ClinVar aggregate classification (germline): Conflicting classifications of pathogenicity. Review status: criteria provided, conflicting classifications (1 of 4 stars). 17 submissions from 11 submitters: Uncertain significance (3); Benign (5); Likely benign (7). 2 of the submissions do not count toward it. Last evaluated 2026-01-20.

Conditions:
Geleophysic dysplasia. Identifiers: Orphanet 2623, MedGen C3489726, MONDO:0000127.
Weill-Marchesani syndrome. Also called: WM Syndrome; Mesodermal dysmorphodystrophy congenital. Identifiers: Orphanet 3449, MedGen C0265313, MONDO:0018096.
Marfan syndrome (MFS). Also called: MARFAN SYNDROME, TYPE I; FBN1-Related Marfan Syndrome; Marfan syndrome, classic; Marfan syndrome type 1; Marfan's syndrome. Identifiers: Orphanet 284963, Orphanet 558, MedGen C0024796, MONDO:0007947, OMIM 154700.
Familial thoracic aortic aneurysm and aortic dissection (TAAD). Also called: Thoracic aortic aneurysms and dissections. Identifiers: Orphanet 91387, MedGen C4707243, MONDO:0019625.
Stiff skin syndrome (SSKS). Identifiers: Orphanet 2833, MedGen C1861456, MONDO:0008492, OMIM 184900.
Ectopia lentis 1, isolated, autosomal dominant (ECTOL1). Identifiers: Orphanet 1885, MedGen C3541518, MONDO:0007514, OMIM 129600.
Acromicric dysplasia (ACMICD). Also called: Acromicric skeletal dysplasia. Identifiers: Orphanet 969, MedGen C0265287, MONDO:0007055, OMIM 102370.
FBN1-related disorder. Also called: FBN1-related disorders.

Allele frequency attached by ClinVar (database versions not stated): ExAC 0.00020; TOPMed 0.00022; gnomAD 0.00023; ESP Exome Variant Server 0.00031.
gnomAD v4.1: 431 of 1,601,468 alleles (0.027%); highest among the groups gnomAD compares: South Asian, 0.047%; no homozygotes.

Submissions (17):

Labcorp Genetics (formerly Invitae), Labcorp
Classification: Likely benign for Marfan syndrome; Familial thoracic aortic aneurysm and aortic dissection. Last evaluated: 2026-01-20. Review status: criteria provided, single submitter. Criteria: Invitae Variant Classification Sherloc (09022015). Collection method: clinical testing. Allele origin: germline.

Blueprint Genetics
Classification: Likely benign. Last evaluated: 2024-11-17. Review status: criteria provided, single submitter. Criteria: ACMG Guidelines, 2015. Collection method: clinical testing. Allele origin: germline.

ARUP Laboratories, Molecular Genetics and Genomics, ARUP Laboratories
Classification: Likely benign. Last evaluated: 2024-08-07. Review status: criteria provided, single submitter. Criteria: ARUP Molecular Germline Variant Investigation Process 2024. Collection method: clinical testing. Allele origin: germline.

All of Us Research Program, National Institutes of Health
Classification: Likely benign for Marfan syndrome. Last evaluated: 2024-02-05. Review status: criteria provided, single submitter. Criteria: ACMG Guidelines, 2015. Collection method: clinical testing. Allele origin: germline. Inheritance: Autosomal dominant inheritance. Observed: 74 variant alleles, 74 heterozygotes.
Comment: This study involves interpretation of variants in research participants for the purpose of population health screening. Participant phenotype was not available at the time of variant classification. Additional details can be found in publication PMID: 35346344, PMCID: PMC8962531

Color Diagnostics, LLC DBA Color Health
Classification: Likely benign for Familial thoracic aortic aneurysm and aortic dissection. Last evaluated: 2018-10-25. Review status: criteria provided, single submitter. Criteria: ACMG Guidelines, 2015. Collection method: clinical testing. Allele origin: germline.

Illumina Laboratory Services, Illumina
Classification: Benign for Acromicric dysplasia. Last evaluated: 2018-01-13. Review status: criteria provided, single submitter. Criteria: ICSL Variant Classification Criteria 13 December 2019. Collection method: clinical testing. Allele origin: germline.
Comment: This variant was observed in the ICSL laboratory as part of a predisposition screen in an ostensibly healthy population. It had not been previously curated by ICSL or reported in the Human Gene Mutation Database (HGMD: prior to June 1st, 2018), and was therefore a candidate for classification through an automated scoring system. Utilizing variant allele frequency, disease prevalence and penetrance estimates, and inheritance mode, an automated score was calculated to assess if this variant is too frequent to cause the disease. Based on the score and internal cut-off values, a variant classified as benign is not then subjected to further curation. The score for this variant resulted in a classification of benign for this disease.

Illumina Laboratory Services, Illumina
Classification: Benign for Geleophysic dysplasia. Last evaluated: 2018-01-13. Review status: criteria provided, single submitter. Criteria: ICSL Variant Classification Criteria 13 December 2019. Collection method: clinical testing. Allele origin: germline.
Comment: the same text as in the submission from Illumina Laboratory Services, Illumina above.

Illumina Laboratory Services, Illumina
Classification: Likely benign for Marfan syndrome. Last evaluated: 2018-01-13. Review status: criteria provided, single submitter. Criteria: ICSL Variant Classification Criteria 13 December 2019. Collection method: clinical testing. Allele origin: germline.
Comment: This variant was observed in the ICSL laboratory as part of a predisposition screen in an ostensibly healthy population. It had not been previously curated by ICSL or reported in the Human Gene Mutation Database (HGMD: prior to June 1st, 2018), and was therefore a candidate for classification through an automated scoring system. Utilizing variant allele frequency, disease prevalence and penetrance estimates, and inheritance mode, an automated score was calculated to assess if this variant is too frequent to cause the disease. Based on the score and internal cut-off values, a variant classified as likely benign is not then subjected to further curation. The score for this variant resulted in a classification of likely benign for this disease.

Illumina Laboratory Services, Illumina
Classification: Benign for Ectopia lentis 1, isolated, autosomal dominant. Last evaluated: 2018-01-13. Review status: criteria provided, single submitter. Criteria: ICSL Variant Classification Criteria 13 December 2019. Collection method: clinical testing. Allele origin: germline.
Comment: the same text as in the submission from Illumina Laboratory Services, Illumina above.

Illumina Laboratory Services, Illumina
Classification: Likely benign for Weill-Marchesani syndrome. Last evaluated: 2018-01-13. Review status: criteria provided, single submitter. Criteria: ICSL Variant Classification Criteria 13 December 2019. Collection method: clinical testing. Allele origin: germline.
Comment: the same text as in the submission from Illumina Laboratory Services, Illumina above.

Illumina Laboratory Services, Illumina
Classification: Benign for Stiff skin syndrome. Last evaluated: 2018-01-13. Review status: criteria provided, single submitter. Criteria: ICSL Variant Classification Criteria 13 December 2019. Collection method: clinical testing. Allele origin: germline.
Comment: the same text as in the submission from Illumina Laboratory Services, Illumina above.

Illumina Laboratory Services, Illumina
Classification: Uncertain significance for Familial thoracic aortic aneurysm and aortic dissection. Last evaluated: 2018-01-13. Review status: criteria provided, single submitter. Criteria: ICSL Variant Classification Criteria 13 December 2019. Collection method: clinical testing. Allele origin: germline.

Center for Human Genetics, Inc
Classification: Uncertain significance for Marfan syndrome. Last evaluated: 2016-11-01. Review status: criteria provided, single submitter. Criteria: ACMG Guidelines, 2015. Collection method: clinical testing. Allele origin: germline. Affected: yes.

Laboratory for Molecular Medicine, Mass General Brigham Personalized Medicine
Classification: Uncertain significance. Last evaluated: 2016-01-29. Review status: criteria provided, single submitter. Criteria: LMM Criteria. Collection method: clinical testing. Allele origin: germline. Observed: 1 variant allele.
Comment: The c.6314-15G>A variant in FBN1 has not been previously reported in individuals with pulmonary disease, but has been identified in 14/65936 European chromosome s by the Exome Aggregation Consortium (ExAC; dbS NP rs200841830). Computational prediction tools and conservation analysis are limited or unavailable for this variant. This variant is located in the 3' splic e region. Computational tools do not suggest an impact to splicing. However, thi s information is not predictive enough to rule out pathogenicity. In summary, th e clinical significance of the c.6314-15G>A variant is uncertain.

GeneDx
Classification: Benign. Last evaluated: 2015-04-23. Review status: criteria provided, single submitter. Criteria: GeneDx Variant Classification (06012015). Collection method: clinical testing. Allele origin: germline. Affected: yes.
Comment: This variant is considered likely benign or benign based on one or more of the following criteria: it is a conservative change, it occurs at a poorly conserved position in the protein, it is predicted to be benign by multiple in silico algorithms, and/or has population frequency not consistent with disease.

PreventionGenetics, part of Exact Sciences
Classification: Likely benign for FBN1-related condition. Last evaluated: 2021-09-17. Review status: no assertion criteria provided. Collection method: clinical testing. Allele origin: germline. Not counted in ClinVar's aggregate classification.
Comment: This variant is classified as likely benign based on ACMG/AMP sequence variant interpretation guidelines (Richards et al. 2015 PMID: 25741868, with internal and published modifications).

Center for Medical Genetics Ghent, University of Ghent
Classification: Likely benign for Marfan syndrome. Last evaluated: 2017-11-07. Review status: no assertion criteria provided. Collection method: clinical testing. Allele origin: germline. Affected: yes. Not counted in ClinVar's aggregate classification.